The following is an entry in ClinVar:

NM_003000.3(SDHB):c.601T>C (p.Trp201Arg)

Gene: SDHB (succinate dehydrogenase complex iron sulfur subunit B; minus strand). Cytogenetic location: 1p36.13.
Variant type: single nucleotide variant.
Coding change: c.601T>C on transcript NM_003000.3 (MANE Select); coding-DNA position 601, T replaced by C.
Protein change: p.Trp201Arg; replaces tryptophan 201 with arginine.
Molecular consequence: missense variant.
Genome position (GRCh38, 1-based): chr1:17,024,014, A>G on the plus strand (T>C on the coding strand, the complement: SDHB is on the minus strand). VCF-style: chr1-17024014-A-G. GRCh37 (hg19) VCF-style: chr1-17350509-A-G.
Other names: short protein forms W201R.
Identifiers: ClinVar variation 1501768 (VCV001501768.8), dbSNP rs2101516405, ClinGen allele CA338271058.
Genomic context (GRCh38, chr1:17,024,014, plus strand): 5'-CAATTAAGGAGCACCTCACCTGCATAAGAACTGCAGGCCCCAGATATTTGTCTCCGTTCC[A>G]CCAGTAGCTGGGGCAGCTGGTGCTACAGCAGGCACAGAGAATGCACTCGTAGAGCCCGTC-3'
Protein context (NP_002991.2, residues 191-211): CCSTSCPSYW[Trp201Arg]NGDKYLGPAV

ClinVar aggregate classification (germline): Uncertain significance (1 of 4 stars; one submission).

Conditions:
Gastrointestinal stromal tumor. Also called: Gastrointestinal stroma tumor; Gastrointestinal stromal tumor, somatic. Identifiers: Orphanet 44890, MedGen C0238198, MeSH D046152, MONDO:0011719, OMIM 606764, HP:0100723.
Pheochromocytoma/paraganglioma syndrome 4. Also called: CAROTID BODY TUMORS AND MULTIPLE EXTRAADRENAL PHEOCHROMOCYTOMAS; SDHB-Related Hereditary Paraganglioma-Pheochromocytoma Syndrome; PARAGANGLIOMA, FAMILIAL MALIGNANT; PARAGANGLIOMAS, HEREDITARY EXTRAADRENAL; PHEOCHROMOCYTOMA, FAMILIAL EXTRAADRENAL; Paragangliomas 4. Identifiers: Orphanet 29072, MedGen C1861848, MONDO:0007273, OMIM 115310.
Pheochromocytoma. Also called: MAX-Related Hereditary Paraganglioma-Pheochromocytoma Syndrome. Identifiers: Orphanet 29072, MedGen C0031511, MONDO:0008233, OMIM 171300, HP:0002666.

Submission:

Labcorp Genetics (formerly Invitae), Labcorp
Classification: Uncertain significance for Gastrointestinal stromal tumor; Pheochromocytoma/paraganglioma syndrome 4; Pheochromocytoma. Last evaluated: 2020-11-20. Review status: criteria provided, single submitter. Criteria: Invitae Variant Classification Sherloc (09022015). Collection method: clinical testing. Allele origin: germline.
Comment: Advanced modeling of protein sequence and biophysical properties (such as structural, functional, and spatial information, amino acid conservation, physicochemical variation, residue mobility, and thermodynamic stability) performed at Invitae indicates that this missense variant is expected to disrupt SDHB protein function. In summary, the available evidence is currently insufficient to determine the role of this variant in disease. Therefore, it has been classified as a Variant of Uncertain Significance. This variant has not been reported in the literature in individuals with SDHB-related conditions. This variant is not present in population databases (ExAC no frequency). This sequence change replaces tryptophan with arginine at codon 201 of the SDHB protein (p.Trp201Arg). The tryptophan residue is highly conserved and there is a moderate physicochemical difference between tryptophan and arginine.